The following is an entry in ClinVar:

ClinVar aggregate classification (germline): Uncertain significance. Review status: criteria provided, multiple submitters, no conflicts (2 of 4 stars). 4 submissions from 4 submitters: Uncertain significance (4). Last evaluated 2025-04-01.

Conditions:
Hereditary cancer-predisposing syndrome. Also called: Hereditary neoplastic syndrome; Tumor predisposition; Neoplastic Syndromes, Hereditary; Hereditary Cancer Syndrome. Identifiers: Orphanet 140162, MedGen C0027672, MeSH D009386, MONDO:0015356.
Familial cancer of breast. Also called: Hereditary breast cancer; hereditary breast carcinoma; BREAST CANCER, FAMILIAL. Identifiers: Orphanet 227535, MedGen C0346153, MONDO:0016419, OMIM 114480. Disease mechanism: loss of function.

Submissions (4):

Color Diagnostics, LLC DBA Color Health
Classification: Uncertain significance for Hereditary cancer-predisposing syndrome. Last evaluated: 2025-04-01. Review status: criteria provided, single submitter. Criteria: ACMG Guidelines, 2015. Collection method: clinical testing. Allele origin: germline.
Comment: This missense variant replaces aspartic acid with valine at codon 208 of the PALB2 protein. Computational prediction suggests that this variant may not impact protein structure and function. To our knowledge, functional studies have not been reported for this variant. This variant has been detected in a breast cancer case-control meta-analysis in 1/60465 cases and 1/53460 unaffected individuals (PMID: 33471991; Leiden Open Variation Database DB-ID PALB2_011151). This variant has not been identified in the general population by the Genome Aggregation Database (gnomAD). The available evidence is insufficient to determine the role of this variant in disease conclusively. Therefore, this variant is classified as a Variant of Uncertain Significance.

Ambry Genetics
Classification: Uncertain significance for Hereditary cancer-predisposing syndrome. Last evaluated: 2025-01-27. Review status: criteria provided, single submitter. Criteria: Ambry Variant Classification Scheme 2023. Collection method: clinical testing. Allele origin: germline.
Comment: The p.D208V variant (also known as c.623A>T), located in coding exon 4 of the PALB2 gene, results from an A to T substitution at nucleotide position 623. The aspartic acid at codon 208 is replaced by valine, an amino acid with highly dissimilar properties. This amino acid position is not well conserved in available vertebrate species. In addition, this alteration is predicted to be tolerated by in silico analysis. Since supporting evidence is limited at this time, the clinical significance of this alteration remains unclear.

Labcorp Genetics (formerly Invitae), Labcorp
Classification: Uncertain significance for Familial cancer of breast. Last evaluated: 2023-12-18. Review status: criteria provided, single submitter. Criteria: Invitae Variant Classification Sherloc (09022015). Collection method: clinical testing. Allele origin: germline.
Comment: This sequence change replaces aspartic acid, which is acidic and polar, with valine, which is neutral and non-polar, at codon 208 of the PALB2 protein (p.Asp208Val). This variant is not present in population databases (gnomAD no frequency). This variant has not been reported in the literature in individuals affected with PALB2-related conditions. ClinVar contains an entry for this variant (Variation ID: 480262). An algorithm developed to predict the effect of missense changes on protein structure and function (PolyPhen-2) suggests that this variant is likely to be disruptive. In summary, the available evidence is currently insufficient to determine the role of this variant in disease. Therefore, it has been classified as a Variant of Uncertain Significance.

CeGaT Center for Human Genetics Tuebingen
Classification: Uncertain significance. Last evaluated: 2021-08-01. Review status: criteria provided, single submitter. Criteria: CeGaT Center For Human Genetics Tuebingen Variant Classification Criteria Version 2. Collection method: clinical testing. Allele origin: germline. Affected: yes. Observed: 1 variant allele.

Literature cited by the submitters: PubMed 33471991 (cited by Color Diagnostics, LLC DBA Color Health).

NM_024675.4(PALB2):c.623A>T (p.Asp208Val)

Gene: PALB2 (partner and localizer of BRCA2; minus strand). Cytogenetic location: 16p12.2.
Variant type: single nucleotide variant.
Coding change: c.623A>T on transcript NM_024675.4 (MANE Select); coding-DNA position 623, A replaced by T.
Protein change: p.Asp208Val; replaces aspartic acid 208 with valine.
Molecular consequence: missense variant.
Genome position (GRCh38, 1-based): chr16:23,635,923, T>A on the plus strand (A>T on the coding strand, the complement: PALB2 is on the minus strand). VCF-style: chr16-23635923-T-A. GRCh37 (hg19) VCF-style: chr16-23647244-T-A.
Other names: short protein forms D208V.
Identifiers: ClinVar variation 480262 (VCV000480262.52), dbSNP rs1555461702, ClinGen allele CA395136604.